The following is an entry in ClinVar:

ClinVar aggregate classification (germline): Uncertain significance (1 of 4 stars; one submission).

Conditions:
Pitt-Hopkins-like syndrome 2 (PTHSL2). Identifiers: Orphanet 221150, Orphanet 600663, MedGen C3280479, MONDO:0013690, OMIM 614325.

gnomAD v4.1: 1 of 1,611,744 alleles (0.000062%); highest among the groups gnomAD compares: South Asian, 0.0011%; no homozygotes.

Submission:

Labcorp Genetics (formerly Invitae), Labcorp
Classification: Uncertain significance for Pitt-Hopkins-like syndrome 2. Last evaluated: 2024-08-13. Review status: criteria provided, single submitter. Criteria: Invitae Variant Classification Sherloc (09022015). Collection method: clinical testing. Allele origin: germline.
Comment: This sequence change replaces arginine, which is basic and polar, with leucine, which is neutral and non-polar, at codon 177 of the NRXN1 protein (p.Arg177Leu). This variant is not present in population databases (gnomAD no frequency). This variant has not been reported in the literature in individuals affected with NRXN1-related conditions. An algorithm developed to predict the effect of missense changes on protein structure and function (PolyPhen-2) suggests that this variant is likely to be tolerated. In summary, the available evidence is currently insufficient to determine the role of this variant in disease. Therefore, it has been classified as a Variant of Uncertain Significance.

NM_001330078.2(NRXN1):c.530G>T (p.Arg177Leu)

Gene: NRXN1 (neurexin 1; minus strand). Cytogenetic location: 2p16.3.
Variant type: single nucleotide variant.
Coding change: c.530G>T on transcript NM_001330078.2 (MANE Select); coding-DNA position 530, G replaced by T.
Protein change: p.Arg177Leu; replaces arginine 177 with leucine.
Molecular consequence: missense variant.
Genome position (GRCh38, 1-based): chr2:51,027,744, C>A on the plus strand (G>T on the coding strand, the complement: NRXN1 is on the minus strand). VCF-style: chr2-51027744-C-A. GRCh37 (hg19) VCF-style: chr2-51254882-C-A.
Other names: c.530G>T, p.Arg177Leu (NM_001135659.3, NM_001330077.2, NM_001330079.2 and 15 more transcripts); short protein forms R177L.
Identifiers: ClinVar variation 3660575 (VCV003660575.2).